The following is an entry in ClinVar:

NM_000218.3(KCNQ1):c.950A>C (p.Asp317Ala)

Gene: KCNQ1 (potassium voltage-gated channel subfamily Q member 1; plus strand). Cytogenetic location: 11p15.5.
Variant type: single nucleotide variant.
Coding change: c.950A>C on transcript NM_000218.3 (MANE Select); coding-DNA position 950, A replaced by C.
Protein change: p.Asp317Ala; replaces aspartic acid 317 with alanine.
Molecular consequence: missense variant.
Genome position (GRCh38, 1-based): chr11:2,583,463, A>C. VCF-style: chr11-2583463-A-C. GRCh37 (hg19) VCF-style: chr11-2604693-A-C.
Other names: c.950A>C, p.Asp317Ala (NM_001406836.1); c.680A>C, p.Asp227Ala (NM_001406837.1); c.506A>C, p.Asp169Ala (NM_001406838.1); c.569A>C, p.Asp190Ala (NM_181798.2); short protein forms D190A, D317A, D169A, D227A.
Identifiers: ClinVar variation 1056776 (VCV001056776.10), dbSNP rs199472750, ClinGen allele CA379132985.
Genomic context (GRCh38, chr11:2,583,463, plus strand): 5'-TCCGTGGCTGACCACTGTCCCTCTCCCTGCAGGTCACAGTCACCACCATCGGCTATGGGG[A>C]CAAGGTGCCCCAGACGTGGGTCGGGAAGACCATCGCCTCCTGCTTCTCTGTCTTTGCCAT-3'
Protein context (NP_000209.2, residues 307-327): VVTVTTIGYG[Asp317Ala]KVPQTWVGKT

ClinVar aggregate classification (germline): Likely pathogenic (1 of 4 stars; one submission).

Conditions:
Long QT syndrome (LQTS). Identifiers: MedGen C0023976, MeSH D008133, MONDO:0002442. Disease mechanism: loss of function. Inheritance: Various modes of inheritance.

Submission:

Labcorp Genetics (formerly Invitae), Labcorp
Classification: Likely pathogenic for Long QT syndrome. Last evaluated: 2023-04-15. Review status: criteria provided, single submitter. Criteria: Invitae Variant Classification Sherloc (09022015). Collection method: clinical testing. Allele origin: germline.
Comment: ClinVar contains an entry for this variant (Variation ID: 1056776). This sequence change replaces aspartic acid, which is acidic and polar, with alanine, which is neutral and non-polar, at codon 317 of the KCNQ1 protein (p.Asp317Ala). This variant is not present in population databases (gnomAD no frequency). This variant has not been reported in the literature in individuals affected with KCNQ1-related conditions. Advanced modeling of protein sequence and biophysical properties (such as structural, functional, and spatial information, amino acid conservation, physicochemical variation, residue mobility, and thermodynamic stability) performed at Invitae indicates that this missense variant is expected to disrupt KCNQ1 protein function. Experimental studies have shown that this missense change affects KCNQ1 function (PMID: 17704175). This variant disrupts the p.Asp317 amino acid residue in KCNQ1. Other variant(s) that disrupt this residue have been determined to be pathogenic (PMID: 9302275, 9482580, 14678125, 19490272). This suggests that this residue is clinically significant, and that variants that disrupt this residue are likely to be disease-causing. In summary, the currently available evidence indicates that the variant is pathogenic, but additional data are needed to prove that conclusively. Therefore, this variant has been classified as Likely Pathogenic.

Literature cited by the submitters: PubMed 17704175; PubMed 9302275; PubMed 9482580; PubMed 14678125; PubMed 19490272.